The following is an entry in ClinVar:

ClinVar aggregate classification (germline): Likely benign (1 of 4 stars; one submission).

Allele frequency attached by ClinVar (database versions not stated): TOPMed 0.00001.
gnomAD v4.1: 11 of 1,613,254 alleles (0.00068%); highest among the groups gnomAD compares: South Asian, 0.0033%; no homozygotes.

Submission:

CeGaT Center for Human Genetics Tuebingen
Classification: Likely benign. Last evaluated: 2022-07-01. Review status: criteria provided, single submitter. Criteria: CeGaT Center For Human Genetics Tuebingen Variant Classification Criteria Version 2. Collection method: clinical testing. Allele origin: germline. Affected: yes. Observed: 1 variant allele.
Comment: GLI2: BP4, BP7

NM_001374353.1(GLI2):c.1482G>A (p.Ser494=)

Gene: GLI2 (GLI family zinc finger 2; plus strand). Cytogenetic location: 2q14.2.
Variant type: single nucleotide variant.
Coding change: c.1482G>A on transcript NM_001374353.1 (MANE Select); coding-DNA position 1482, G replaced by A.
Protein change: p.Ser494=; no amino-acid change (serine 494 retained).
Molecular consequence: synonymous variant.
Genome position (GRCh38, 1-based): chr2:120,982,730, G>A. VCF-style: chr2-120982730-G-A. GRCh37 (hg19) VCF-style: chr2-121740306-G-A.
Other names: c.1533G>A, p.Ser511= (NM_001371271.1, NM_005270.5); c.1107G>A, p.Ser369= (NM_001374354.1).
Identifiers: ClinVar variation 2651317 (VCV002651317.24), dbSNP rs200507501, ClinGen allele CA428230137.